The following is an entry in ClinVar:

NM_001372043.1(PCSK5):c.4477C>T (p.Pro1493Ser)

Gene: PCSK5 (proprotein convertase subtilisin/kexin type 5; plus strand). Cytogenetic location: 9q21.13.
Variant type: single nucleotide variant.
Coding change: c.4477C>T on transcript NM_001372043.1 (MANE Select); coding-DNA position 4477, C replaced by T.
Protein change: p.Pro1493Ser; replaces proline 1493 with serine.
Molecular consequence: missense variant.
Genome position (GRCh38, 1-based): chr9:76,328,146, C>T. VCF-style: chr9-76328146-C-T. GRCh37 (hg19) VCF-style: chr9-78943062-C-T.
Other names: c.4396C>T, p.Pro1466Ser (NM_001190482.2); short protein forms P1466S, P1493S.
Identifiers: ClinVar variation 4980240 (VCV004980240.1).

ClinVar aggregate classification (germline): Uncertain significance (1 of 4 stars; one submission).

Conditions:
PCSK5-related disorder. Also called: PCSK5-related condition.

gnomAD v4.1: 175 of 1,612,732 alleles (0.011%); highest among the groups gnomAD compares: Non-Finnish European, 0.015%; no homozygotes.

Submission:

PreventionGenetics, part of Exact Sciences
Classification: Uncertain significance for PCSK5-related condition. Last evaluated: 2026-01-29. Review status: criteria provided, single submitter. Criteria: ACMG Guidelines, 2015. Collection method: clinical testing. Allele origin: germline.
Comment: The PCSK5 c.4396C>T variant is predicted to result in the amino acid substitution p.Pro1466Ser. To our knowledge, this variant has not been reported in the literature. This variant is reported in 0.013% of alleles in individuals of European (Non-Finnish) descent in gnomAD. At this time, the clinical significance of this variant is uncertain due to the absence of conclusive functional and genetic evidence.